The following is an entry in ClinVar:

ClinVar aggregate classification (germline): Benign/Likely benign. Review status: criteria provided, multiple submitters, no conflicts (2 of 4 stars). 3 submissions from 3 submitters: Benign (2); Likely benign (1). Last evaluated 2024-11-28.

Allele frequency attached by ClinVar (database versions not stated): 1000 Genomes Project 0.00318; 1000 Genomes Project 30x 0.00333; ExAC 0.00414; ESP Exome Variant Server 0.00521; TOPMed 0.00551.
gnomAD v4.1: 8,759 of 1,211,073 alleles (0.72%); highest among the groups gnomAD compares: Non-Finnish European, 0.87%; 32 homozygotes.

Submissions (3):

Blueprint Genetics
Classification: Likely benign. Last evaluated: 2024-11-28. Review status: criteria provided, single submitter. Criteria: ACMG Guidelines, 2015. Collection method: clinical testing. Allele origin: germline.

GeneDx
Classification: Benign. Last evaluated: 2015-03-15. Review status: criteria provided, single submitter. Criteria: GeneDx Variant Classification (06012015). Collection method: clinical testing. Allele origin: germline. Affected: yes.
Comment: This variant is considered likely benign or benign based on one or more of the following criteria: it is a conservative change, it occurs at a poorly conserved position in the protein, it is predicted to be benign by multiple in silico algorithms, and/or has population frequency not consistent with disease.

Breakthrough Genomics
Classification: Benign. Review status: criteria provided, single submitter. Criteria: ACMG Guidelines, 2015. Collection method: not provided. Allele origin: germline. Inheritance: X-linked inheritance. Affected: yes.

NM_080632.3(UPF3B):c.-13G>C

Genes: UPF3B (UPF3B regulator of nonsense mediated mRNA decay; minus strand), LOC130068620 (ATAC-STARR-seq lymphoblastoid active region 29901; plus strand). Cytogenetic location: Xq24.
Variant type: single nucleotide variant.
Coding change: c.-13G>C on transcript NM_080632.3 (MANE Select); 13 bases upstream of the start codon, G replaced by C.
Molecular consequence: 5 prime UTR variant.
Genome position (GRCh38, 1-based): chrX:119,852,941, C>G on the plus strand (G>C on the coding strand, the complement: UPF3B is on the minus strand). VCF-style: chrX-119852941-C-G. GRCh37 (hg19) VCF-style: chrX-118986904-C-G.
Other names: c.-13G>C (NM_023010.4).
Identifiers: ClinVar variation 367732 (VCV000367732.3), dbSNP rs185511642, ClinGen allele CA10503398.